The following is an entry in ClinVar:

NM_001161403.3(LIMS2):c.89A>G (p.Asn30Ser)

Gene: LIMS2 (LIM zinc finger domain containing 2; minus strand). Cytogenetic location: 2q14.3.
Variant type: single nucleotide variant.
Coding change: c.89A>G on transcript NM_001161403.3 (MANE Select); coding-DNA position 89, A replaced by G.
Protein change: p.Asn30Ser; replaces asparagine 30 with serine.
Molecular consequence: missense variant.
Genome position (GRCh38, 1-based): chr2:127,657,485, T>C on the plus strand (A>G on the coding strand, the complement: LIMS2 is on the minus strand). VCF-style: chr2-127657485-T-C. GRCh37 (hg19) VCF-style: chr2-128415059-T-C.
Other names: c.155A>G, p.Asn52Ser (NM_001136037.4); c.74A>G, p.Asn25Ser (NM_001161404.2); c.161A>G, p.Asn54Ser (NM_017980.5); short protein forms N25S, N30S, N52S, N54S.
Identifiers: ClinVar variation 2428186 (VCV002428186.8), dbSNP rs753914287, ClinGen allele CA1863573.

ClinVar aggregate classification (germline): Uncertain significance (1 of 4 stars; one submission).

Conditions:
Autosomal recessive limb-girdle muscular dystrophy type 2W (MDRCMTT). Also called: Muscular dystrophy, autosomal recessive, with cardiomyopathy and triangular tongue; Muscular dystrophy, limb-girdle, type 2W. Identifiers: MedGen C4225192, MONDO:0014788, OMIM 616827.

Allele frequency attached by ClinVar (database versions not stated): gnomAD exomes 0.00001; ExAC 0.00002.
gnomAD v4.1: 14 of 1,613,680 alleles (0.00087%); highest among the groups gnomAD compares: South Asian, 0.015%; no homozygotes.

Submission:

Labcorp Genetics (formerly Invitae), Labcorp
Classification: Uncertain significance for Autosomal recessive limb-girdle muscular dystrophy type 2W. Last evaluated: 2022-05-31. Review status: criteria provided, single submitter. Criteria: Invitae Variant Classification Sherloc (09022015). Collection method: clinical testing. Allele origin: germline.
Comment: This sequence change replaces asparagine, which is neutral and polar, with serine, which is neutral and polar, at codon 52 of the LIMS2 protein (p.Asn52Ser). This variant is present in population databases (rs753914287, gnomAD 0.01%). This variant has not been reported in the literature in individuals affected with LIMS2-related conditions. Algorithms developed to predict the effect of missense changes on protein structure and function are either unavailable or do not agree on the potential impact of this missense change (SIFT: "Tolerated"; PolyPhen-2: "Possibly Damaging"; Align-GVGD: "Class C0"). In summary, the available evidence is currently insufficient to determine the role of this variant in disease. Therefore, it has been classified as a Variant of Uncertain Significance.